The following is an entry in ClinVar:

ClinVar aggregate classification (germline): Pathogenic (1 of 4 stars; one submission).

Conditions:
Congenital pontocerebellar hypoplasia type 1. Also called: Pontocerebellar hypoplasia type 1. Identifiers: Orphanet 2254, MedGen C5442006, MONDO:0016396.

Submission:

Labcorp Genetics (formerly Invitae), Labcorp
Classification: Pathogenic for Pontocerebellar hypoplasia type 1. Last evaluated: 2018-05-04. Review status: criteria provided, single submitter. Criteria: Invitae Variant Classification Sherloc (09022015). Collection method: clinical testing. Allele origin: germline.
Comment: This variant is an out-of-frame deletion of the genomic region encompassing exons 4-5 of the VRK1 gene. This is expected to create a premature translational stop signal and result in an absent or disrupted protein product. This variant has not been reported in the literature in individuals with VRK1-related disease. Loss-of-function variants in VRK1 are known to be pathogenic (PMID: 19646678). For these reasons, this variant has been classified as Pathogenic.

NC_000014.9:g.(?_96846075)_(96847364_?)del

Gene: VRK1 (VRK serine/threonine kinase 1; plus strand). Cytogenetic location: 14q32.2.
Variant type: Deletion.
Identifiers: ClinVar variation 584083 (VCV000584083.2).